The following is an entry in ClinVar:

NM_006180.6(NTRK2):c.2250C>A (p.Ser750Arg)

Gene: NTRK2 (neurotrophic receptor tyrosine kinase 2; plus strand). Cytogenetic location: 9q21.33.
Variant type: single nucleotide variant.
Coding change: c.2250C>A on transcript NM_006180.6 (MANE Select); coding-DNA position 2250, C replaced by A.
Protein change: p.Ser750Arg; replaces serine 750 with arginine.
Molecular consequence: missense variant.
Genome position (GRCh38, 1-based): chr9:85,020,283, C>A. VCF-style: chr9-85020283-C-A. GRCh37 (hg19) VCF-style: chr9-87635198-C-A.
Other names: c.2202C>A, p.Ser734Arg (NM_001018064.3, NM_001369532.1, NM_001369533.1); c.2166C>A, p.Ser722Arg (NM_001369534.1); c.1734C>A, p.Ser578Arg (NM_001369535.1); c.1782C>A, p.Ser594Arg (NM_001369536.1); short protein forms S734R, S750R, S578R, S594R, S722R.
Identifiers: ClinVar variation 4743850 (VCV004743850.1).
Genomic context (GRCh38, chr9:85,020,283, plus strand): 5'-GCTGCCCATTCGCTGGATGCCTCCAGAGAGCATCATGTACAGGAAATTCACGACGGAAAG[C>A]GACGTCTGGAGCCTGGGGGTCGTGTTGTGGGAGATTTTCACCTATGGCAAACAGCCCTGG-3'
Protein context (NP_006171.2, residues 740-760): SIMYRKFTTE[Ser750Arg]DVWSLGVVLW

ClinVar aggregate classification (germline): Uncertain significance (1 of 4 stars; one submission).

Submission:

Labcorp Genetics (formerly Invitae), Labcorp
Classification: Uncertain significance. Last evaluated: 2025-04-23. Review status: criteria provided, single submitter. Criteria: Invitae Variant Classification Sherloc (09022015). Collection method: clinical testing. Allele origin: germline.
Comment: This sequence change replaces serine, which is neutral and polar, with arginine, which is basic and polar, at codon 750 of the NTRK2 protein (p.Ser750Arg). This variant is not present in population databases (gnomAD no frequency). This variant has not been reported in the literature in individuals affected with NTRK2-related conditions. Invitae Evidence Modeling of protein sequence and biophysical properties (such as structural, functional, and spatial information, amino acid conservation, physicochemical variation, residue mobility, and thermodynamic stability) indicates that this missense variant is not expected to disrupt NTRK2 protein function with a negative predictive value of 80%. In summary, the available evidence is currently insufficient to determine the role of this variant in disease. Therefore, it has been classified as a Variant of Uncertain Significance.